The following is an entry in ClinVar:

NM_019074.4(DLL4):c.235_236delinsTC (p.Val79Ser)

Gene: DLL4 (delta like canonical Notch ligand 4; plus strand). Cytogenetic location: 15q15.1.
Variant type: Indel.
Coding change: c.235_236delinsTC on transcript NM_019074.4 (MANE Select); coding-DNA positions 235 to 236, GT replaced by TC.
Protein change: p.Val79Ser; replaces valine 79 with serine.
Molecular consequence: missense variant.
Genome position (GRCh38, 1-based): chr15:40,930,015-40,930,016, GT replaced by TC. VCF-style: chr15-40930015-GT-TC. GRCh37 (hg19) VCF-style: chr15-41222213-GT-TC.
Other names: short protein forms V79S.
Identifiers: ClinVar variation 4847369 (VCV004847369.1).

ClinVar aggregate classification (germline): Uncertain significance (1 of 4 stars; one submission).

Submission:

Women's Health and Genetics/Laboratory Corporation of America, LabCorp
Classification: Uncertain significance. Last evaluated: 2026-03-09. Review status: criteria provided, single submitter. Criteria: LabCorp Variant Classification Summary - May 2015. Collection method: clinical testing. Allele origin: germline.
Comment: Variant summary: DLL4 c.235_236delinsTC (p.Val79Ser) results in a non-conservative amino acid change in the encoded protein sequence. Algorithms developed to predict the effect of missense changes on protein structure and function are either unavailable or do not agree on the potential impact of this missense change. The variant was absent in 245574 control chromosomes. The available data on variant occurrences in the general population are insufficient to allow any conclusion about variant significance. To our knowledge, no occurrence of c.235_236delinsTC in individuals affected with DLL4-related conditions and no experimental evidence demonstrating its impact on protein function have been reported. No submitters have cited clinical-significance assessments for this variant to ClinVar. Based on the evidence outlined above, the variant was classified as uncertain significance.